The following is an entry in ClinVar:

NM_014000.3(VCL):c.169-18T>A

Gene: VCL (vinculin; plus strand). Cytogenetic location: 10q22.2.
Variant type: single nucleotide variant.
Coding change: c.169-18T>A on transcript NM_014000.3 (MANE Select); 18 bases into the intron before coding-DNA position 169, T replaced by A.
Molecular consequence: intron variant.
Genome position (GRCh38, 1-based): chr10:74,043,065, T>A. VCF-style: chr10-74043065-T-A. GRCh37 (hg19) VCF-style: chr10-75802823-T-A.
Other names: c.169-18T>A (NM_003373.4).
Identifiers: ClinVar variation 384031 (VCV000384031.5), dbSNP rs1057521827, ClinGen allele CA16605911.

ClinVar aggregate classification (germline): Likely benign. Review status: criteria provided, multiple submitters, no conflicts (2 of 4 stars). 2 submissions from 2 submitters: Likely benign (2). Last evaluated 2024-10-18.

Conditions:
Dilated cardiomyopathy 1W (CMD1W). Identifiers: Orphanet 154, MedGen C1969639, MONDO:0012667, OMIM 611407.

Allele frequency attached by ClinVar (database versions not stated): gnomAD exomes below 0.00001; TOPMed below 0.00001.
gnomAD v4.1: 2 of 1,604,700 alleles (0.00012%); highest among the groups gnomAD compares: African/African-American, 0.0027%; no homozygotes.

Submissions (2):

Labcorp Genetics (formerly Invitae), Labcorp
Classification: Likely benign for Dilated cardiomyopathy 1W. Last evaluated: 2024-10-18. Review status: criteria provided, single submitter. Criteria: Invitae Variant Classification Sherloc (09022015). Collection method: clinical testing. Allele origin: germline.

GeneDx
Classification: Likely benign. Last evaluated: 2016-02-22. Review status: criteria provided, single submitter. Criteria: GeneDx Variant Classification (06012015). Collection method: clinical testing. Allele origin: germline. Affected: yes.
Comment: This variant is considered likely benign or benign based on one or more of the following criteria: it is a conservative change, it occurs at a poorly conserved position in the protein, it is predicted to be benign by multiple in silico algorithms, and/or has population frequency not consistent with disease.